The following is an entry in ClinVar:

ClinVar aggregate classification (germline): Uncertain significance (1 of 4 stars; one submission).

Submission:

GeneDx
Classification: Uncertain significance. Last evaluated: 2026-04-02. Review status: criteria provided, single submitter. Criteria: GeneDx Variant Classification Process June 2021. Collection method: clinical testing. Allele origin: germline.
Comment: Not observed at significant frequency in large population cohorts (gnomAD); Has not been previously published as pathogenic or benign to our knowledge; In silico analysis is inconclusive as to whether the variant alters gene splicing. In the absence of RNA/functional studies, the actual effect of this sequence change is unknown.

NM_198551.4(MIA3):c.5182+5G>A

Gene: MIA3 (MIA SH3 domain ER export factor 3; plus strand). Cytogenetic location: 1q41.
Variant type: single nucleotide variant.
Coding change: c.5182+5G>A on transcript NM_198551.4 (MANE Select); 5 bases into the intron after coding-DNA position 5182, G replaced by A.
Molecular consequence: intron variant.
Genome position (GRCh38, 1-based): chr1:222,662,129, G>A. VCF-style: chr1-222662129-G-A. GRCh37 (hg19) VCF-style: chr1-222835471-G-A.
Other names: c.4690+5G>A (NM_001324064.2); c.5182+5G>A (NM_001324062.2); c.5005+5G>A (NM_001324063.2); c.1816+5G>A (NM_001324065.2, NM_001300867.2).
Identifiers: ClinVar variation 5018149 (VCV005018149.1).